The following is an entry in ClinVar:

NM_014717.3(ZNF536):c.3105C>T (p.Ile1035=)

Gene: ZNF536 (zinc finger protein 536; plus strand). Cytogenetic location: 19q12.
Variant type: single nucleotide variant.
Coding change: c.3105C>T on transcript NM_014717.3 (MANE Select); coding-DNA position 3105, C replaced by T.
Protein change: p.Ile1035=; no amino-acid change (isoleucine 1035 retained).
Molecular consequence: synonymous variant.
Genome position (GRCh38, 1-based): chr19:30,548,724, C>T. VCF-style: chr19-30548724-C-T. GRCh37 (hg19) VCF-style: chr19-31039631-C-T.
Other names: c.3105C>T, p.Ile1035= (NM_001352260.2, NM_001376110.1, NM_001376111.1).
Identifiers: ClinVar variation 2649674 (VCV002649674.24), dbSNP rs149816388, ClinGen allele CA9353704.
Genomic context (GRCh38, chr19:30,548,724, plus strand): 5'-CATGGCCCTTCATCTCCAGGCCAACCACCTGGGCAAAGCGAAACGCAAAGATAACACCAT[C>T]GGGGTCACAGTCAACTGCAAAGACCAAGCCCGGGAGGCGAGTAAGATGGCCCTGCTGCCC-3'
Protein context (NP_055532.1, residues 1025-1045): LGKAKRKDNT[Ile1035=]GVTVNCKDQA

ClinVar aggregate classification (germline): Likely benign (1 of 4 stars; one submission).

Allele frequency attached by ClinVar (database versions not stated): ExAC 0.00077; gnomAD 0.00080; TOPMed 0.00088; ESP Exome Variant Server 0.00115; gnomAD exomes 0.00124; 1000 Genomes Project 0.00180; 1000 Genomes Project 30x 0.00203.
gnomAD v4.1: 1,922 of 1,613,972 alleles (0.12%); highest among the groups gnomAD compares: Non-Finnish European, 0.15%; 1 homozygote.

Submission:

CeGaT Center for Human Genetics Tuebingen
Classification: Likely benign. Last evaluated: 2022-08-01. Review status: criteria provided, single submitter. Criteria: CeGaT Center For Human Genetics Tuebingen Variant Classification Criteria Version 2. Collection method: clinical testing. Allele origin: germline. Affected: yes. Observed: 1 variant allele.
Comment: ZNF536: BP4, BP7